The following is an entry in ClinVar:

NM_005359.6(SMAD4):c.1380C>T (p.Ala460=)

Gene: SMAD4 (SMAD family member 4; plus strand). Cytogenetic location: 18q21.2.
Variant type: single nucleotide variant.
Coding change: c.1380C>T on transcript NM_005359.6 (MANE Select); coding-DNA position 1380, C replaced by T.
Protein change: p.Ala460=; no amino-acid change (alanine 460 retained).
Molecular consequence: synonymous variant.
Genome position (GRCh38, 1-based): chr18:51,076,709, C>T. VCF-style: chr18-51076709-C-T. GRCh37 (hg19) VCF-style: chr18-48603079-C-T.
Identifiers: ClinVar variation 919143 (VCV000919143.9), dbSNP rs1910480314, ClinGen allele CA503873853.

ClinVar aggregate classification (germline): Benign/Likely benign. Review status: criteria provided, multiple submitters, no conflicts (2 of 4 stars). 5 submissions from 5 submitters: Benign (1); Likely benign (4). Last evaluated 2025-03-24.

Conditions:
Familial thoracic aortic aneurysm and aortic dissection (TAAD). Also called: Thoracic aortic aneurysms and dissections. Identifiers: Orphanet 91387, MedGen C4707243, MONDO:0019625.
Hereditary cancer-predisposing syndrome. Also called: Neoplastic Syndromes, Hereditary; Hereditary neoplastic syndrome; Tumor predisposition; Hereditary Cancer Syndrome. Identifiers: Orphanet 140162, MedGen C0027672, MeSH D009386, MONDO:0015356.
Juvenile polyposis syndrome (JPS). Identifiers: Orphanet 2929, MedGen C0345893, MONDO:0017380, OMIM 174900.
Juvenile polyposis/hereditary hemorrhagic telangiectasia syndrome (JPHT). Also called: POLYPOSIS, GENERALIZED JUVENILE, WITH PULMONARY ARTERIOVENOUS MALFORMATION; TELANGIECTASIA, HEREDITARY HEMORRHAGIC, WITH JUVENILE POLYPOSIS COLI; Juvenile Polyposis Syndrome / Hereditary Hemorrhagic Telangiectasia (JPS/HHT); JP/HHT SYNDROME; JUVENILE POLYPOSIS WITH HEREDITARY HEMORRHAGIC TELANGIECTASIA. Identifiers: Orphanet 2929, MedGen C1832942, MONDO:0008278, OMIM 175050.

Submissions (5):

Myriad Genetics, Inc.
Classification: Benign for Juvenile polyposis/hereditary hemorrhagic telangiectasia syndrome. Last evaluated: 2025-03-24. Review status: criteria provided, single submitter. Criteria: Myriad Autosomal Dominant, Autosomal Recessive and X-Linked Classification Criteria (2023). Collection method: clinical testing. Allele origin: unknown.
Comment: This variant is considered benign. This variant is a silent/synonymous amino acid change and it is not expected to impact splicing.

Labcorp Genetics (formerly Invitae), Labcorp
Classification: Likely benign for Juvenile polyposis syndrome. Last evaluated: 2024-08-27. Review status: criteria provided, single submitter. Criteria: Invitae Variant Classification Sherloc (09022015). Collection method: clinical testing. Allele origin: germline.

All of Us Research Program, National Institutes of Health
Classification: Likely benign for Juvenile polyposis/hereditary hemorrhagic telangiectasia syndrome. Last evaluated: 2024-08-13. Review status: criteria provided, single submitter. Criteria: ACMG Guidelines, 2015. Collection method: clinical testing. Allele origin: germline. Inheritance: Autosomal dominant inheritance. Observed: 1 variant allele, 1 heterozygote.
Comment: This study involves interpretation of variants in research participants for the purpose of population health screening. Participant phenotype was not available at the time of variant classification. Additional details can be found in publication PMID: 35346344, PMCID: PMC8962531

Ambry Genetics
Classification: Likely benign for Hereditary cancer-predisposing syndrome; Familial thoracic aortic aneurysm and aortic dissection. Last evaluated: 2020-04-02. Review status: criteria provided, single submitter. Criteria: Ambry Variant Classification Scheme 2023. Collection method: clinical testing. Allele origin: germline.

Color Diagnostics, LLC DBA Color Health
Classification: Likely benign for Hereditary cancer-predisposing syndrome. Last evaluated: 2019-09-18. Review status: criteria provided, single submitter. Criteria: ACMG Guidelines, 2015. Collection method: clinical testing. Allele origin: germline.